The following is an entry in ClinVar:

ClinVar aggregate classification (germline): Likely benign (1 of 4 stars; one submission).

gnomAD v4.1: 13 of 1,376,568 alleles (0.00094%); highest among the groups gnomAD compares: African/African-American, 0.0014%; no homozygotes.

Submission:

Molecular Diagnostic Laboratory for Inherited Cardiovascular Disease, Montreal Heart Institute
Classification: Likely benign. Last evaluated: 2026-09-21. Review status: criteria provided, single submitter. Criteria: ACMG Guidelines, 2015. Collection method: clinical testing. Allele origin: germline. Affected: no.
Comment: BP4

NM_000432.4(MYL2):c.93+76T>C

Genes: MYL2 (myosin light chain 2; minus strand), LOC114827850 (VISTA enhancer hs2149; plus strand). Cytogenetic location: 12q24.11.
Variant type: single nucleotide variant.
Coding change: c.93+76T>C on transcript NM_000432.4 (MANE Select); 76 bases into the intron after coding-DNA position 93, T replaced by C.
Molecular consequence: intron variant.
Genome position (GRCh38, 1-based): chr12:110,919,028, A>G on the plus strand (T>C on the coding strand, the complement: MYL2 is on the minus strand). VCF-style: chr12-110919028-A-G. GRCh37 (hg19) VCF-style: chr12-111356832-A-G.
Other names: c.36+76T>C (NM_001406916.1); c.93+76T>C (NM_001406745.1).
Identifiers: ClinVar variation 5037850 (VCV005037850.1).
Genomic context (GRCh38, chr12:110,919,028, plus strand): 5'-TCAGGCCGAATTTGGGATTGTTTGGAGGATAGAGGCATCTAATGAAAGGTCCCTGCTGGG[A>G]ATATGGAACAAAAAGAAGGTTCTCCCTCGTGGGTGGGATTTCCATCCAGGCGGATGATTC-3'